The following is an entry in ClinVar:

ClinVar aggregate classification (germline): Conflicting classifications of pathogenicity. Review status: criteria provided, conflicting classifications (1 of 4 stars). 4 submissions from 4 submitters: Uncertain significance (1); Benign (1); Likely benign (2). Last evaluated 2026-01-24.

Conditions:
Transcobalamin II deficiency (TCN2D). Also called: Transcolabamin II deficiency; TC II DEFICIENCY; TCN2 DEFICIENCY. Identifiers: Orphanet 859, MedGen C0342701, MONDO:0010149, OMIM 275350.

Allele frequency attached by ClinVar (database versions not stated): 1000 Genomes Project 30x 0.00062; ESP Exome Variant Server 0.00100; TOPMed 0.00119; 1000 Genomes Project 0.00060.
gnomAD v4.1: 2,146 of 1,614,194 alleles (0.13%); highest among the groups gnomAD compares: Middle Eastern, 0.23%; 5 homozygotes.

Submissions (4):

Labcorp Genetics (formerly Invitae), Labcorp
Classification: Benign for Transcobalamin II deficiency. Last evaluated: 2026-01-24. Review status: criteria provided, single submitter. Criteria: Invitae Variant Classification Sherloc (09022015). Collection method: clinical testing. Allele origin: germline.

CeGaT Center for Human Genetics Tuebingen
Classification: Likely benign. Last evaluated: 2025-08-01. Review status: criteria provided, single submitter. Criteria: CeGaT Center For Human Genetics Tuebingen Variant Classification Criteria Version 2. Collection method: clinical testing. Allele origin: germline. Affected: yes. Observed: 5 variant alleles.
Comment: TCN2: BP4, BP7

Blueprint Genetics
Classification: Likely benign. Last evaluated: 2024-10-28. Review status: criteria provided, single submitter. Criteria: ACMG Guidelines, 2015. Collection method: clinical testing. Allele origin: germline.

Illumina Laboratory Services, Illumina
Classification: Uncertain significance for Transcobalamin II deficiency. Last evaluated: 2018-01-13. Review status: criteria provided, single submitter. Criteria: ICSL Variant Classification Criteria 13 December 2019. Collection method: clinical testing. Allele origin: germline.

NM_000355.4(TCN2):c.810G>A (p.Ala270=)

Gene: TCN2 (transcobalamin 2; plus strand). Cytogenetic location: 22q12.2.
Variant type: single nucleotide variant.
Coding change: c.810G>A on transcript NM_000355.4 (MANE Select); coding-DNA position 810, G replaced by A.
Protein change: p.Ala270=; no amino-acid change (alanine 270 retained).
Molecular consequence: synonymous variant.
Genome position (GRCh38, 1-based): chr22:30,615,657, G>A. VCF-style: chr22-30615657-G-A. GRCh37 (hg19) VCF-style: chr22-31011644-G-A.
Other names: c.729G>A, p.Ala243= (NM_001184726.2).
Identifiers: ClinVar variation 460320 (VCV000460320.41), dbSNP rs61748898, ClinGen allele CA10184855.